The following is an entry in ClinVar:

ClinVar aggregate classification (germline): Uncertain significance (1 of 4 stars; one submission).

Allele frequency attached by ClinVar (database versions not stated): gnomAD 0.00001.
gnomAD v4.1: 1 of 1,613,982 alleles (0.000062%); highest among the groups gnomAD compares: Admixed American, 0.0017%; no homozygotes.

Submission:

Labcorp Genetics (formerly Invitae), Labcorp
Classification: Uncertain significance. Last evaluated: 2026-01-05. Review status: criteria provided, single submitter. Criteria: Invitae Variant Classification Sherloc (09022015). Collection method: clinical testing. Allele origin: germline.
Comment: This sequence change replaces valine, which is neutral and non-polar, with methionine, which is neutral and non-polar, at codon 3282 of the DNAH9 protein (p.Val3282Met). This variant is not present in population databases (gnomAD no frequency). This variant has not been reported in the literature in individuals affected with DNAH9-related conditions. ClinVar contains an entry for this variant (Variation ID: 2984212). Invitae Evidence Modeling of protein sequence and biophysical properties (such as structural, functional, and spatial information, amino acid conservation, physicochemical variation, residue mobility, and thermodynamic stability) indicates that this missense variant is expected to disrupt DNAH9 protein function with a positive predictive value of 80%. In summary, the available evidence is currently insufficient to determine the role of this variant in disease. Therefore, it has been classified as a Variant of Uncertain Significance.

NM_001372.4(DNAH9):c.9844G>A (p.Val3282Met)

Gene: DNAH9 (dynein axonemal heavy chain 9; plus strand). Cytogenetic location: 17p12.
Variant type: single nucleotide variant.
Coding change: c.9844G>A on transcript NM_001372.4 (MANE Select); coding-DNA position 9844, G replaced by A.
Protein change: p.Val3282Met; replaces valine 3282 with methionine.
Molecular consequence: missense variant.
Genome position (GRCh38, 1-based): chr17:11,854,339, G>A. VCF-style: chr17-11854339-G-A. GRCh37 (hg19) VCF-style: chr17-11757656-G-A.
Other names: short protein forms V3282M.
Identifiers: ClinVar variation 2984212 (VCV002984212.3), dbSNP rs1971543721, ClinGen allele CA398193418.